The following is an entry in ClinVar:

ClinVar aggregate classification (germline): Uncertain significance (1 of 4 stars; one submission).

gnomAD v4.1: 1 of 1,609,266 alleles (0.000062%); highest among the groups gnomAD compares: Non-Finnish European, 0.000085%; no homozygotes.

Submission:

CeGaT Center for Human Genetics Tuebingen
Classification: Uncertain significance. Last evaluated: 2025-03-01. Review status: criteria provided, single submitter. Criteria: CeGaT Center For Human Genetics Tuebingen Variant Classification Criteria Version 2. Collection method: clinical testing. Allele origin: germline. Affected: yes. Observed: 1 variant allele.
Comment: ZP1: PM2, BP4

NM_207341.4(ZP1):c.607C>A (p.Pro203Thr)

Gene: ZP1 (zona pellucida glycoprotein 1; plus strand). Cytogenetic location: 11q12.2.
Variant type: single nucleotide variant.
Coding change: c.607C>A on transcript NM_207341.4 (MANE Select); coding-DNA position 607, C replaced by A.
Protein change: p.Pro203Thr; replaces proline 203 with threonine.
Molecular consequence: missense variant.
Genome position (GRCh38, 1-based): chr11:60,869,825, C>A. VCF-style: chr11-60869825-C-A. GRCh37 (hg19) VCF-style: chr11-60637298-C-A.
Other names: short protein forms P203T.
Identifiers: ClinVar variation 3778042 (VCV003778042.7).